The following is an entry in ClinVar:

NM_000152.5(GAA):c.2646+4A>C

Gene: GAA (alpha glucosidase; plus strand). Cytogenetic location: 17q25.3.
Variant type: single nucleotide variant.
Coding change: c.2646+4A>C on transcript NM_000152.5 (MANE Select); 4 bases into the intron after coding-DNA position 2646, A replaced by C.
Molecular consequence: intron variant.
Genome position (GRCh38, 1-based): chr17:80,118,361, A>C. VCF-style: chr17-80118361-A-C. GRCh37 (hg19) VCF-style: chr17-78092160-A-C.
Other names: c.2646+4A>C (NM_001079803.3, NM_001079804.3).
Identifiers: ClinVar variation 2101227 (VCV002101227.4), dbSNP rs2510403085, ClinGen allele CA2580095383.

ClinVar aggregate classification (germline): Uncertain significance (1 of 4 stars; one submission).

Conditions:
Glycogen storage disease, type II (IOPD). Also called: Glycogen storage disease type 2; Acid maltase deficiency disease; Aglucosidase alfa; Deficiency of alpha-glucosidase; Deficiency of lysosomal alpha-glucosidase; Pompe Disease. Identifiers: Orphanet 365, MedGen C0017921, MONDO:0009290, OMIM 232300.

Submission:

Labcorp Genetics (formerly Invitae), Labcorp
Classification: Uncertain significance for Glycogen storage disease, type II. Last evaluated: 2023-08-04. Review status: criteria provided, single submitter. Criteria: Invitae Variant Classification Sherloc (09022015). Collection method: clinical testing. Allele origin: germline.
Comment: In summary, the available evidence is currently insufficient to determine the role of this variant in disease. Therefore, it has been classified as a Variant of Uncertain Significance. Variants that disrupt the consensus splice site are a relatively common cause of aberrant splicing (PMID: 17576681, 9536098). Algorithms developed to predict the effect of sequence changes on RNA splicing suggest that this variant may create or strengthen a splice site. ClinVar contains an entry for this variant (Variation ID: 2101227). This variant has not been reported in the literature in individuals affected with GAA-related conditions. This variant is not present in population databases (gnomAD no frequency). This sequence change falls in intron 18 of the GAA gene. It does not directly change the encoded amino acid sequence of the GAA protein. It affects a nucleotide within the consensus splice site.

Literature cited by the submitters: PubMed 17576681; PubMed 9536098.